The following is an entry in ClinVar:

ClinVar aggregate classification (germline): Pathogenic. Review status: criteria provided, multiple submitters, no conflicts (2 of 4 stars). 4 submissions from 4 submitters: Pathogenic (3). 1 of the submissions does not count toward it. Last evaluated 2026-02-24.

Conditions:
CTSC-related disorder. Also called: CTSC-related condition; CTSC-related disorders. Identifiers: MedGen CN375926, MONDO:0800465.
Papillon-Lefèvre syndrome (PALS). Also called: Papillon-Lefevre Disease; KERATOSIS PALMOPLANTARIS WITH PERIODONTOPATHIA. Identifiers: Orphanet 678, MedGen C0030360, MONDO:0009490, OMIM 245000.
Periodontitis, aggressive. Identifiers: MedGen C0031106, MONDO:0980757.
Haim-Munk syndrome (HMS). Also called: COCHIN JEWISH DISORDER; KERATOSIS PALMOPLANTARIS WITH PERIODONTOPATHIA AND ONYCHOGRYPOSIS. Identifiers: Orphanet 2342, MedGen C1855627, MONDO:0009491, OMIM 245010.

gnomAD v4.1: 5 of 1,613,686 alleles (0.00031%); highest among the groups gnomAD compares: Non-Finnish European, 0.00042%; no homozygotes.

Submissions (4):

Dasa
Classification: Pathogenic. Last evaluated: 2026-02-24. Review status: criteria provided, single submitter. Criteria: DASA Assertion Criteria. Collection method: clinical testing. Allele origin: germline.
Comment: NM_001814.6(CTSC):c.628C>T (p.Arg210*) introduces a premature termination codon predicted to result in loss of normal protein function. Loss-of-function is an established mechanism of disease for this gene. This variant has been observed in affected individuals with related phenotype in a genotype context consistent with recessive disease (PMID: 11886537; PMID: 19816003; PMID: 28242153; PMID: 24374475). This variant has been recurrently observed in individuals with related phenotype (PMID: 11886537; PMID: 19816003; PMID: 28242153; PMID: 24374475). The variant is present at low frequency in population datasets. Based on the available data, this variant is classified as pathogenic.

Labcorp Genetics (formerly Invitae), Labcorp
Classification: Pathogenic for Haim-Munk syndrome; Periodontitis, aggressive; Papillon-Lefèvre syndrome. Last evaluated: 2026-01-22. Review status: criteria provided, single submitter. Criteria: Invitae Variant Classification Sherloc (09022015). Collection method: clinical testing. Allele origin: germline.
Comment: This sequence change creates a premature translational stop signal (p.Arg210*) in the CTSC gene. It is expected to result in an absent or disrupted protein product. Loss-of-function variants in CTSC are known to be pathogenic (PMID: 10662808, 11106356, 11886537). This variant is not present in population databases (gnomAD no frequency). This premature translational stop signal has been observed in individuals with Papillon-Lefèvre syndrome (PMID: 10581027, 28242153). ClinVar contains an entry for this variant (Variation ID: 7289). For these reasons, this variant has been classified as Pathogenic.

3billion
Classification: Pathogenic for CTSC-related disorder. Last evaluated: 2025-11-27. Review status: criteria provided, single submitter. Criteria: ACMG Guidelines, 2015. Collection method: clinical testing. Allele origin: germline. Affected: yes.
Comment: The variant is observed at an extremely low frequency in the gnomAD v4.1.0 dataset (total allele frequency: <0.001%). Predicted Consequence/Location: Stop-gained (nonsense): predicted to result in a loss or disruption of normal protein function through nonsense-mediated decay (NMD) or protein truncation. Multiple pathogenic variants are reported downstream of the variant. The variant has been reported to be associated with CTSC-related disorder (ClinVar ID: VCV000007289 /PMID: 10581027). Therefore, this variant is classified as Pathogenic according to the recommendation of ACMG/AMP guideline.

OMIM
Classification: Pathogenic for PAPILLON-LEFEVRE SYNDROME. Last evaluated: 1999-12-01. Review status: no assertion criteria provided. Collection method: literature only. Allele origin: germline. Not counted in ClinVar's aggregate classification.

Literature cited by the submitters: PubMed 11886537 (cited by Dasa and Labcorp Genetics (formerly Invitae), Labcorp); PubMed 19816003 (cited by Dasa); PubMed 28242153 (cited by Dasa and Labcorp Genetics (formerly Invitae), Labcorp); PubMed 24374475 (cited by Dasa); PubMed 10662808 (cited by Labcorp Genetics (formerly Invitae), Labcorp); PubMed 11106356 (cited by Labcorp Genetics (formerly Invitae), Labcorp); PubMed 10581027 (cited by 3 submitters).

NM_001814.6(CTSC):c.628C>T (p.Arg210Ter)

Gene: CTSC (cathepsin C; minus strand). Cytogenetic location: 11q14.2.
Variant type: single nucleotide variant.
Coding change: c.628C>T on transcript NM_001814.6 (MANE Select); coding-DNA position 628, C replaced by T.
Protein change: p.Arg210Ter; replaces arginine 210 with a stop codon.
Molecular consequence: nonsense.
Genome position (GRCh38, 1-based): chr11:88,309,176, G>A on the plus strand (C>T on the coding strand, the complement: CTSC is on the minus strand). VCF-style: chr11-88309176-G-A. GRCh37 (hg19) VCF-style: chr11-88042344-G-A.
Other names: c.628C>T, p.Arg210Ter (LRG_50t1); short protein forms R210*.
Identifiers: ClinVar variation 7289 (VCV000007289.12), dbSNP rs104894206, ClinGen allele CA118672.